The following is an entry in ClinVar:

NM_021815.5(SLC5A7):c.1081C>T (p.Arg361Trp)

Gene: SLC5A7 (solute carrier family 5 member 7; plus strand). Cytogenetic location: 2q12.3.
Variant type: single nucleotide variant.
Coding change: c.1081C>T on transcript NM_021815.5 (MANE Select); coding-DNA position 1081, C replaced by T.
Protein change: p.Arg361Trp; replaces arginine 361 with tryptophan.
Molecular consequence: missense variant.
Genome position (GRCh38, 1-based): chr2:108,008,650, C>T. VCF-style: chr2-108008650-C-T. GRCh37 (hg19) VCF-style: chr2-108625106-C-T.
Other names: c.1081C>T, p.Arg361Trp (NM_001305005.3); c.766C>T, p.Arg256Trp (NM_001305006.3); c.340C>T, p.Arg114Trp (NM_001305007.3); short protein forms R256W, R361W, R114W.
Identifiers: ClinVar variation 837130 (VCV000837130.9), dbSNP rs376624433, ClinGen allele CA1819110.
Genomic context (GRCh38, chr2:108,008,650, plus strand): 5'-TCTGCTGCTGTTATGTCATCAGCAGATTCTTCCATCTTGTCAGCAAGTTCCATGTTTGCA[C>T]GGAACATCTACCAGCTTTCCTTCAGACAAAATGTAAGAACAGTTTCTTTCAACCTGACAT-3'
Protein context (NP_068587.1, residues 351-371): SILSASSMFA[Arg361Trp]NIYQLSFRQN

ClinVar aggregate classification (germline): Uncertain significance. Review status: criteria provided, multiple submitters, no conflicts (2 of 4 stars). 3 submissions from 3 submitters: Uncertain significance (3). Last evaluated 2025-10-14.

Conditions:
Neuronopathy, distal hereditary motor, type 7A. Also called: SPINAL MUSCULAR ATROPHY, DISTAL, WITH VOCAL CORD PARALYSIS; Neuronopathy, distal hereditary motor, type viia; NEURONOPATHY, DISTAL HEREDITARY MOTOR, HARDING TYPE VIIA; NEUROPATHY, DISTAL HEREDITARY MOTOR, HARDING TYPE VIIA; HARPER-YOUNG MYOPATHY; HMN VIIA. Identifiers: Orphanet 139589, MedGen C1834703, MONDO:0008024, OMIM 158580.
Congenital myasthenic syndrome 20. Also called: Myasthenic syndrome, congenital, 20, presynaptic. Identifiers: MedGen C4310694, MONDO:0014939, OMIM 617143.
Inborn genetic diseases. Identifiers: MedGen C0950123, MeSH D030342.

Allele frequency attached by ClinVar (database versions not stated): gnomAD exomes 0.00004; ExAC 0.00007; TOPMed 0.00008; gnomAD 0.00007; ESP Exome Variant Server 0.00008.
gnomAD v4.1: 84 of 1,613,038 alleles (0.0052%); highest among the groups gnomAD compares: African/African-American, 0.019%; no homozygotes.

Submissions (3):

Labcorp Genetics (formerly Invitae), Labcorp
Classification: Uncertain significance for Neuronopathy, distal hereditary motor, type 7A; Congenital myasthenic syndrome 20. Last evaluated: 2025-10-14. Review status: criteria provided, single submitter. Criteria: Invitae Variant Classification Sherloc (09022015). Collection method: clinical testing. Allele origin: germline.
Comment: This sequence change replaces arginine, which is basic and polar, with tryptophan, which is neutral and slightly polar, at codon 361 of the SLC5A7 protein (p.Arg361Trp). This variant is present in population databases (rs376624433, gnomAD 0.02%). This variant has not been reported in the literature in individuals affected with SLC5A7-related conditions. ClinVar contains an entry for this variant (Variation ID: 837130). Invitae Evidence Modeling of protein sequence and biophysical properties (such as structural, functional, and spatial information, amino acid conservation, physicochemical variation, residue mobility, and thermodynamic stability) indicates that this missense variant is not expected to disrupt SLC5A7 protein function with a negative predictive value of 80%. In summary, the available evidence is currently insufficient to determine the role of this variant in disease. Therefore, it has been classified as a Variant of Uncertain Significance.

ARUP Laboratories, Molecular Genetics and Genomics, ARUP Laboratories
Classification: Uncertain significance. Last evaluated: 2024-07-09. Review status: criteria provided, single submitter. Criteria: ARUP Molecular Germline Variant Investigation Process 2024. Collection method: clinical testing. Allele origin: germline.
Comment: The SLC5A7 c.1081C>T; p.Arg361Trp variant (rs376624433), to our knowledge, is not reported in the medical literature but is reported in ClinVar (Variation ID: 837130). This variant is found in the general population with an overall allele frequency of 0.0046% (13/281892 alleles) in the Genome Aggregation Database (v2.1.1). Additionally, another variant at this codon (c.1082G>A, p.Arg361Gln) has been reported in a compound heterozygous state in two deceased siblings with a recessive form of congenital myasthenic syndrome (Bauche 2016). Functional analyses with the Arg361Gln variant showed decreased choline uptake by the SLC5A7 transporter (Bauche 2016). Computational analyses are uncertain whether the p.Arg 361Trp variant is neutral or deleterious (REVEL: 0.694). Due to limited information, the clinical significance of this variant is uncertain at this time. References: Bauche S et al. Impaired Presynaptic High-Affinity Choline Transporter Causes a Congenital Myasthenic Syndrome with Episodic Apnea. Am J Hum Genet. 2016 Sep 1. PMID: 27569547.

Ambry Genetics
Classification: Uncertain significance for Inborn genetic diseases. Last evaluated: 2023-10-31. Review status: criteria provided, single submitter. Criteria: Ambry Variant Classification Scheme 2023. Collection method: clinical testing. Allele origin: germline.